The following is an entry in ClinVar:

ClinVar aggregate classification (germline): Conflicting classifications of pathogenicity. Review status: criteria provided, conflicting classifications (1 of 4 stars). 2 submissions from 2 submitters: Uncertain significance (1); Likely benign (1). Last evaluated 2025-06-17.

Conditions:
MAGEL2-related disorder. Also called: MAGEL2-related condition.

Allele frequency attached by ClinVar (database versions not stated): gnomAD exomes 0.00001; TOPMed 0.00002; gnomAD 0.00003; ExAC 0.00004.
gnomAD v4.1: 19 of 1,613,802 alleles (0.0012%); highest among the groups gnomAD compares: Admixed American, 0.013%; no homozygotes.

Submissions (2):

Labcorp Genetics (formerly Invitae), Labcorp
Classification: Likely benign. Last evaluated: 2025-06-17. Review status: criteria provided, single submitter. Criteria: Invitae Variant Classification Sherloc (09022015). Collection method: clinical testing. Allele origin: germline.

PreventionGenetics, part of Exact Sciences
Classification: Uncertain significance for MAGEL2-related condition. Last evaluated: 2024-12-13. Review status: criteria provided, single submitter. Criteria: ACMG Guidelines, 2015. Collection method: clinical testing. Allele origin: germline.
Comment: The MAGEL2 c.3228A>G variant is not predicted to result in an amino acid change (p.=). Available splicing prediction algorithms are conflicting regarding their predictions for this variant on splicing (Alamut Visual v1.6.1; SpliceAI, Jaganathan et al. 2019. PubMed ID: 30661751). To our knowledge, this variant has not been reported in the literature. This variant is reported in 0.020% of alleles in individuals of Latino descent in gnomAD. Although we suspect that this variant may be benign, at this time, the clinical significance of this variant is uncertain due to the absence of conclusive functional and genetic evidence.

NM_019066.5(MAGEL2):c.3228A>G (p.Gln1076=)

Gene: MAGEL2 (MAGE family member L2; minus strand). Cytogenetic location: 15q11.2.
Variant type: single nucleotide variant.
Coding change: c.3228A>G on transcript NM_019066.5 (MANE Select); coding-DNA position 3228, A replaced by G.
Protein change: p.Gln1076=; no amino-acid change (glutamine 1076 retained).
Molecular consequence: synonymous variant.
Genome position (GRCh38, 1-based): chr15:23,644,515, T>C on the plus strand (A>G on the coding strand, the complement: MAGEL2 is on the minus strand). VCF-style: chr15-23644515-T-C. GRCh37 (hg19) VCF-style: chr15-23889662-T-C.
Other names: c.3228A>G (NM_019066.4).
Identifiers: ClinVar variation 2889528 (VCV002889528.5), dbSNP rs780869732, ClinGen allele CA7429721.